The following is an entry in ClinVar:

NM_005120.3(MED12):c.4665G>A (p.Thr1555=)

Gene: MED12 (mediator complex subunit 12; plus strand). Cytogenetic location: Xq13.1.
Variant type: single nucleotide variant.
Coding change: c.4665G>A on transcript NM_005120.3 (MANE Select); coding-DNA position 4665, G replaced by A.
Protein change: p.Thr1555=; no amino-acid change (threonine 1555 retained).
Molecular consequence: synonymous variant.
Genome position (GRCh38, 1-based): chrX:71,134,404, G>A. VCF-style: chrX-71134404-G-A. GRCh37 (hg19) VCF-style: chrX-70354254-G-A.
Identifiers: ClinVar variation 382577 (VCV000382577.20), dbSNP rs375001801, ClinGen allele CA10444685.

ClinVar aggregate classification (germline): Benign/Likely benign. Review status: criteria provided, multiple submitters, no conflicts (2 of 4 stars). 5 submissions from 5 submitters: Benign (1); Likely benign (4). Last evaluated 2025-12-21.

Conditions:
FG syndrome (FGS). Identifiers: MedGen C0220769, MONDO:0002010.
Familial thoracic aortic aneurysm and aortic dissection (TAAD). Also called: Thoracic aortic aneurysms and dissections. Identifiers: Orphanet 91387, MedGen C4707243, MONDO:0019625.

Allele frequency attached by ClinVar (database versions not stated): TOPMed 0.00006; ESP Exome Variant Server 0.00010; gnomAD exomes 0.00010; ExAC 0.00012; gnomAD 0.00019.
gnomAD v4.1: 115 of 1,167,954 alleles (0.0098%); highest among the groups gnomAD compares: South Asian, 0.047%; no homozygotes.

Submissions (5):

Labcorp Genetics (formerly Invitae), Labcorp
Classification: Likely benign for FG syndrome. Last evaluated: 2025-12-21. Review status: criteria provided, single submitter. Criteria: Invitae Variant Classification Sherloc (09022015). Collection method: clinical testing. Allele origin: germline.

CeGaT Center for Human Genetics Tuebingen
Classification: Likely benign. Last evaluated: 2025-11-01. Review status: criteria provided, single submitter. Criteria: CeGaT Center For Human Genetics Tuebingen Variant Classification Criteria Version 2. Collection method: clinical testing. Allele origin: germline. Affected: yes. Observed: 1 variant allele.
Comment: MED12: BP4, BP7, BS2

Blueprint Genetics
Classification: Likely benign. Last evaluated: 2024-02-02. Review status: criteria provided, single submitter. Criteria: ACMG Guidelines, 2015. Collection method: clinical testing. Allele origin: germline.

GeneDx
Classification: Benign. Last evaluated: 2021-01-18. Review status: criteria provided, single submitter. Criteria: GeneDx Variant Classification Process June 2021. Collection method: clinical testing. Allele origin: germline. Affected: yes.

Ambry Genetics
Classification: Likely benign for Familial thoracic aortic aneurysm and aortic dissection. Last evaluated: 2018-02-19. Review status: criteria provided, single submitter. Criteria: Ambry Variant Classification Scheme 2023. Collection method: clinical testing. Allele origin: germline.